The following is an entry in ClinVar:

NM_002485.5(NBN):c.1583T>G (p.Leu528Ter)

Gene: NBN (nibrin; minus strand). Cytogenetic location: 8q21.3.
Variant type: single nucleotide variant.
Coding change: c.1583T>G on transcript NM_002485.5 (MANE Select); coding-DNA position 1583, T replaced by G.
Protein change: p.Leu528Ter; replaces leucine 528 with a stop codon.
Molecular consequence: nonsense.
Genome position (GRCh38, 1-based): chr8:89,953,506, A>C on the plus strand (T>G on the coding strand, the complement: NBN is on the minus strand). VCF-style: chr8-89953506-A-C. GRCh37 (hg19) VCF-style: chr8-90965734-A-C.
Other names: c.1337T>G, p.Leu446Ter (NM_001024688.3); short protein forms L528*, L446*.
Identifiers: ClinVar variation 1388193 (VCV001388193.6), dbSNP rs2129700612, ClinGen allele CA371655542.
Genomic context (GRCh38, chr8:89,953,506, plus strand): 5'-TTTGATCTTAGCTTTTCTGCAGCATGAGATTTACTGGCAGAATTTTTCACAATAGATTTT[A>C]AATCTGTATCTGTAAATAAGTTATTGTCTGAGTTTGTGTCCACAGGCTCATTCTCAGATA-3'

ClinVar aggregate classification (germline): Pathogenic (1 of 4 stars; one submission).

Conditions:
Microcephaly, normal intelligence and immunodeficiency (NBS). Also called: SEEMANOVA SYNDROME II; IMMUNODEFICIENCY, MICROCEPHALY, AND CHROMOSOMAL INSTABILITY; Immunodeficiency, microcephaly with normal intelligence; BERLIN BREAKAGE SYNDROME; Nijmegen breakage syndrome; Microcephaly with normal intelligence immunodeficiency and lymphoreticular malignancies. Identifiers: Orphanet 647, MedGen C0398791, MONDO:0009623, OMIM 251260.

Submission:

Labcorp Genetics (formerly Invitae), Labcorp
Classification: Pathogenic for Microcephaly, normal intelligence and immunodeficiency. Last evaluated: 2021-10-06. Review status: criteria provided, single submitter. Criteria: Invitae Variant Classification Sherloc (09022015). Collection method: clinical testing. Allele origin: germline.
Comment: For these reasons, this variant has been classified as Pathogenic. This variant has not been reported in the literature in individuals with NBN-related conditions. This variant is not present in population databases (ExAC no frequency). This sequence change creates a premature translational stop signal (p.Leu528*) in the NBN gene. It is expected to result in an absent or disrupted protein product. Loss-of-function variants in NBN are known to be pathogenic (PMID: 9590180, 16415040).

Literature cited by the submitters: PubMed 9590180; PubMed 16415040.